The following is an entry in ClinVar:

NM_005845.5(ABCC4):c.2100C>T (p.Ala700=)

Gene: ABCC4 (ATP binding cassette subfamily C member 4 (PEL blood group); minus strand). Cytogenetic location: 13q32.1.
Variant type: single nucleotide variant.
Coding change: c.2100C>T on transcript NM_005845.5 (MANE Select); coding-DNA position 2100, C replaced by T.
Protein change: p.Ala700=; no amino-acid change (alanine 700 retained).
Molecular consequence: synonymous variant. On other transcripts: intron variant (1).
Genome position (GRCh38, 1-based): chr13:95,164,453, G>A on the plus strand (C>T on the coding strand, the complement: ABCC4 is on the minus strand). VCF-style: chr13-95164453-G-A. GRCh37 (hg19) VCF-style: chr13-95816707-G-A.
Other names: p.Ala700=; c.2100C>T, p.Ala700= (NM_001105515.3); c.1875C>T, p.Ala625= (NM_001301830.2); c.2035-806C>T (NM_001301829.2).
Identifiers: ClinVar variation 779444 (VCV000779444.5), dbSNP rs11568666, ClinGen allele CA7019314.

ClinVar aggregate classification (germline): Benign. Review status: criteria provided, multiple submitters, no conflicts (2 of 4 stars). 3 submissions from 3 submitters: Benign (3). Last evaluated 2024-04-16.

Allele frequency attached by ClinVar (database versions not stated): 1000 Genomes Project 0.00519; gnomAD 0.00557 and 0.00565; ESP Exome Variant Server 0.00661; 1000 Genomes Project 30x 0.00500; gnomAD exomes 0.00766 and 0.00688; TOPMed 0.00594; ExAC 0.00668.
gnomAD v4.1: 12,180 of 1,614,150 alleles (0.75%); highest among the groups gnomAD compares: South Asian, 1.1%; 66 homozygotes.

Submissions (3):

Mayo Clinic Laboratories, Mayo Clinic
Classification: Benign. Last evaluated: 2024-04-16. Review status: criteria provided, single submitter. Criteria: ACMG Guidelines, 2015. Collection method: clinical testing. Allele origin: germline. Observed: 4 variant alleles.
Comment: BS1, BS2, BP4, BP7

Labcorp Genetics (formerly Invitae), Labcorp
Classification: Benign. Last evaluated: 2018-08-28. Review status: criteria provided, single submitter. Criteria: Invitae Variant Classification Sherloc (09022015). Collection method: clinical testing. Allele origin: germline.

Breakthrough Genomics
Classification: Benign. Review status: criteria provided, single submitter. Criteria: ACMG Guidelines, 2015. Collection method: not provided. Allele origin: germline. Inheritance: Unknown mechanism. Affected: yes.